The following is an entry in ClinVar:

ClinVar aggregate classification (germline): Uncertain significance (0 of 4 stars; one submission).

Conditions:
MKKS-related disorder. Also called: MKKS-related condition; MKKS-related disorders.

gnomAD v4.1: 1 of 1,613,930 alleles (0.000062%); highest among the groups gnomAD compares: Admixed American, 0.0017%; no homozygotes.

Submission:

PreventionGenetics, part of Exact Sciences
Classification: Uncertain significance for MKKS-related condition. Last evaluated: 2024-05-10. Review status: no assertion criteria provided. Collection method: clinical testing. Allele origin: germline.
Comment: The MKKS c.551T>C variant is predicted to result in the amino acid substitution p.Leu184Pro. To our knowledge, this variant has not been reported in the literature or in a large population database, indicating this variant is rare. At this time, the clinical significance of this variant is uncertain due to the absence of conclusive functional and genetic evidence.

NM_170784.3(MKKS):c.551T>C (p.Leu184Pro)

Gene: MKKS (MKKS centrosomal shuttling protein; minus strand). Cytogenetic location: 20p12.2.
Variant type: single nucleotide variant.
Coding change: c.551T>C on transcript NM_170784.3 (MANE Select); coding-DNA position 551, T replaced by C.
Protein change: p.Leu184Pro; replaces leucine 184 with proline.
Molecular consequence: missense variant.
Genome position (GRCh38, 1-based): chr20:10,412,964, A>G on the plus strand (T>C on the coding strand, the complement: MKKS is on the minus strand). VCF-style: chr20-10412964-A-G. GRCh37 (hg19) VCF-style: chr20-10393612-A-G.
Other names: c.551T>C, p.Leu184Pro (NM_018848.3); short protein forms L184P.
Identifiers: ClinVar variation 3356925 (VCV003356925.1).